The following is an entry in ClinVar:

ClinVar aggregate classification (germline): Uncertain significance. Review status: criteria provided, multiple submitters, no conflicts (2 of 4 stars). 2 submissions from 2 submitters: Uncertain significance (2). Last evaluated 2026-08-20.

Conditions:
Inborn genetic diseases. Identifiers: MedGen C0950123, MeSH D030342.

Submissions (2):

Ambry Genetics
Classification: Uncertain significance for Inborn genetic diseases. Last evaluated: 2026-08-20. Review status: criteria provided, single submitter. Criteria: Ambry Variant Classification Scheme 2023. Collection method: clinical testing. Allele origin: germline.
Comment: The p.M1228T variant (also known as c.3683T>C), located in coding exon 1 of the SAMD9 gene, results from a T to C substitution at nucleotide position 3683. The methionine at codon 1228 is replaced by threonine, an amino acid with similar properties. This amino acid position is conserved. In addition, this alteration is predicted to be tolerated by in silico analysis. Based on the available evidence, the clinical significance of this variant remains unclear.

Labcorp Genetics (formerly Invitae), Labcorp
Classification: Uncertain significance. Last evaluated: 2023-10-05. Review status: criteria provided, single submitter. Criteria: Invitae Variant Classification Sherloc (09022015). Collection method: clinical testing. Allele origin: germline.
Comment: This sequence change replaces methionine, which is neutral and non-polar, with threonine, which is neutral and polar, at codon 1228 of the SAMD9 protein (p.Met1228Thr). This variant is not present in population databases (gnomAD no frequency). This variant has not been reported in the literature in individuals affected with SAMD9-related conditions. Advanced modeling of protein sequence and biophysical properties (such as structural, functional, and spatial information, amino acid conservation, physicochemical variation, residue mobility, and thermodynamic stability) performed at Invitae indicates that this missense variant is not expected to disrupt SAMD9 protein function. In summary, the available evidence is currently insufficient to determine the role of this variant in disease. Therefore, it has been classified as a Variant of Uncertain Significance.

NM_017654.4(SAMD9):c.3683T>C (p.Met1228Thr)

Gene: SAMD9 (sterile alpha motif domain containing 9; minus strand). Cytogenetic location: 7q21.2.
Variant type: single nucleotide variant.
Coding change: c.3683T>C on transcript NM_017654.4 (MANE Select); coding-DNA position 3683, T replaced by C.
Protein change: p.Met1228Thr; replaces methionine 1228 with threonine.
Molecular consequence: missense variant.
Genome position (GRCh38, 1-based): chr7:93,102,415, A>G on the plus strand (T>C on the coding strand, the complement: SAMD9 is on the minus strand). VCF-style: chr7-93102415-A-G. GRCh37 (hg19) VCF-style: chr7-92731728-A-G.
Other names: c.3683T>C (NM_017654.3); c.3683T>C, p.Met1228Thr (NM_001193307.2); short protein forms M1228T.
Identifiers: ClinVar variation 3007846 (VCV003007846.4), dbSNP rs2535355043, ClinGen allele CA368183576.